The following is an entry in ClinVar:

ClinVar aggregate classification (germline): Likely benign (0 of 4 stars; one submission).

Conditions:
PKD1-related disorder. Also called: PKD1-related condition.

Submission:

PreventionGenetics, part of Exact Sciences
Classification: Likely benign for PKD1-related condition. Last evaluated: 2022-01-03. Review status: no assertion criteria provided. Collection method: clinical testing. Allele origin: germline.
Comment: This variant is classified as likely benign based on ACMG/AMP sequence variant interpretation guidelines (Richards et al. 2015 PMID: 25741868, with internal and published modifications).

NM_001009944.3(PKD1):c.11713-26_11713-25insCTCT

Gene: PKD1 (polycystin 1, transient receptor potential channel interacting; minus strand). Cytogenetic location: 16p13.3.
Variant type: Insertion.
Coding change: c.11713-26_11713-25insCTCT on transcript NM_001009944.3 (MANE Select); 26 bases into the intron before coding-DNA position 11713 through 25 bases into the intron before coding-DNA position 11713, CTCT inserted.
Molecular consequence: intron variant.
Genome position: GRCh38 VCF-style: chr16-2091199-C-CGAGA. GRCh37 (hg19) VCF-style: chr16-2141200-C-CGAGA.
Other names: c.11710-26_11710-25insCTCT (NM_000296.4).
Identifiers: ClinVar variation 3029718 (VCV003029718.2), dbSNP rs1305981000, ClinGen allele CA718966415.